The following is an entry in ClinVar:

ClinVar aggregate classification (germline): Uncertain significance (1 of 4 stars; one submission).

Conditions:
Nephronophthisis. Also called: Juvenile Nephronophthisis. Identifiers: Orphanet 655, MedGen C0687120, MONDO:0019005, HP:0000090.

Allele frequency attached by ClinVar (database versions not stated): gnomAD exomes below 0.00001.
gnomAD v4.1: 3 of 1,614,112 alleles (0.00019%); highest among the groups gnomAD compares: South Asian, 0.0011%; no homozygotes.

Submission:

Labcorp Genetics (formerly Invitae), Labcorp
Classification: Uncertain significance for Nephronophthisis. Last evaluated: 2022-06-18. Review status: criteria provided, single submitter. Criteria: Invitae Variant Classification Sherloc (09022015). Collection method: clinical testing. Allele origin: germline.
Comment: This sequence change replaces histidine, which is basic and polar, with arginine, which is basic and polar, at codon 658 of the NPHP1 protein (p.His658Arg). This variant is not present in population databases (gnomAD no frequency). This variant has not been reported in the literature in individuals affected with NPHP1-related conditions. Algorithms developed to predict the effect of missense changes on protein structure and function are either unavailable or do not agree on the potential impact of this missense change (SIFT: "Tolerated"; PolyPhen-2: "Probably Damaging"; Align-GVGD: "Class C0"). In summary, the available evidence is currently insufficient to determine the role of this variant in disease. Therefore, it has been classified as a Variant of Uncertain Significance.

NM_001128178.3(NPHP1):c.1805A>G (p.His602Arg)

Gene: NPHP1 (nephrocystin 1; minus strand). Cytogenetic location: 2q13.
Variant type: single nucleotide variant.
Coding change: c.1805A>G on transcript NM_001128178.3 (MANE Select); coding-DNA position 1805, A replaced by G.
Protein change: p.His602Arg; replaces histidine 602 with arginine.
Molecular consequence: missense variant. On other transcripts: 3 prime UTR variant (1).
Genome position (GRCh38, 1-based): chr2:110,124,020, T>C on the plus strand (A>G on the coding strand, the complement: NPHP1 is on the minus strand). VCF-style: chr2-110124020-T-C. GRCh37 (hg19) VCF-style: chr2-110881597-T-C.
Other names: c.1973A>G, p.His658Arg (NM_000272.5); c.1616A>G, p.His539Arg (NM_001128179.3); c.1802A>G, p.His601Arg (NM_001374256.1); c.*47A>G (NM_001374257.1); c.1970A>G, p.His657Arg (NM_207181.4); short protein forms H539R, H601R, H602R, H657R, H658R.
Identifiers: ClinVar variation 2414985 (VCV002414985.3), dbSNP rs1291356538, ClinGen allele CA348086288.